The following is an entry in ClinVar:

ClinVar aggregate classification (germline): Uncertain significance. Review status: criteria provided, multiple submitters, no conflicts (2 of 4 stars). 3 submissions from 3 submitters: Uncertain significance (3). Last evaluated 2025-10-27.

Conditions:
Aortic aneurysm, familial thoracic 7 (AAT7). Also called: AORTIC DISSECTION, FAMILIAL, WITH OR WITHOUT AORTIC ANEURYSM. Identifiers: MedGen C3151077, MONDO:0013418, OMIM 613780.
Megacystis-microcolon-intestinal hypoperistalsis syndrome 1. Identifiers: MedGen C5542316, MONDO:0100354, OMIM 249210.
Familial thoracic aortic aneurysm and aortic dissection (TAAD). Also called: Thoracic aortic aneurysms and dissections. Identifiers: Orphanet 91387, MedGen C4707243, MONDO:0019625.

Allele frequency attached by ClinVar (database versions not stated): TOPMed below 0.00001; gnomAD exomes 0.00001; ExAC 0.00002; ESP Exome Variant Server 0.00008.
gnomAD v4.1: 10 of 1,613,974 alleles (0.00062%); highest among the groups gnomAD compares: Admixed American, 0.015%; no homozygotes.

Submissions (3):

Labcorp Genetics (formerly Invitae), Labcorp
Classification: Uncertain significance for Aortic aneurysm, familial thoracic 7. Last evaluated: 2025-10-27. Review status: criteria provided, single submitter. Criteria: Invitae Variant Classification Sherloc (09022015). Collection method: clinical testing. Allele origin: germline.
Comment: This sequence change replaces threonine, which is neutral and polar, with isoleucine, which is neutral and non-polar, at codon 1892 of the MYLK protein (p.Thr1892Ile). This variant is present in population databases (rs368231398, gnomAD 0.007%). This variant has not been reported in the literature in individuals affected with MYLK-related conditions. ClinVar contains an entry for this variant (Variation ID: 862269). Invitae Evidence Modeling of protein sequence and biophysical properties (such as structural, functional, and spatial information, amino acid conservation, physicochemical variation, residue mobility, and thermodynamic stability) indicates that this missense variant is not expected to disrupt MYLK protein function with a negative predictive value of 80%. In summary, the available evidence is currently insufficient to determine the role of this variant in disease. Therefore, it has been classified as a Variant of Uncertain Significance.

Ambry Genetics
Classification: Uncertain significance for Familial thoracic aortic aneurysm and aortic dissection. Last evaluated: 2025-10-23. Review status: criteria provided, single submitter. Criteria: Ambry Variant Classification Scheme 2023. Collection method: clinical testing. Allele origin: germline.

Fulgent Genetics
Classification: Uncertain significance for Megacystis-microcolon-intestinal hypoperistalsis syndrome 1; Aortic aneurysm, familial thoracic 7. Last evaluated: 2021-08-31. Review status: criteria provided, single submitter. Criteria: ACMG Guidelines, 2015. Collection method: clinical testing. Allele origin: unknown.

NM_053025.4(MYLK):c.5675C>T (p.Thr1892Ile)

Genes: MYLK (myosin light chain kinase; minus strand), MYLK-AS1 (MYLK antisense RNA 1; plus strand). Cytogenetic location: 3q21.1.
Variant type: single nucleotide variant.
Coding change: c.5675C>T on transcript NM_053025.4 (MANE Select); coding-DNA position 5675, C replaced by T.
Protein change: p.Thr1892Ile; replaces threonine 1892 with isoleucine.
Molecular consequence: missense variant.
Genome position (GRCh38, 1-based): chr3:123,614,175, G>A on the plus strand (C>T on the coding strand, the complement: MYLK is on the minus strand). VCF-style: chr3-123614175-G-A. GRCh37 (hg19) VCF-style: chr3-123333022-G-A.
Other names: c.5147C>T, p.Thr1716Ile (NM_001321309.2); c.5468C>T, p.Thr1823Ile (NM_053026.4); c.5522C>T, p.Thr1841Ile (NM_053027.4); c.5315C>T, p.Thr1772Ile (NM_053028.4); c.392C>T, p.Thr131Ile (NM_053031.4); c.395C>T, p.Thr132Ile (NM_053032.4); short protein forms T1716I, T1823I, T1841I, T1772I, T131I, T1892I, T132I.
Identifiers: ClinVar variation 862269 (VCV000862269.9), dbSNP rs368231398, ClinGen allele CA073177.